The following is an entry in ClinVar:

NM_003036.4(SKI):c.217G>A (p.Val73Met)

Gene: SKI (SKI proto-oncogene; plus strand). Cytogenetic location: 1p36.33.
Variant type: single nucleotide variant.
Coding change: c.217G>A on transcript NM_003036.4 (MANE Select); coding-DNA position 217, G replaced by A.
Protein change: p.Val73Met; replaces valine 73 with methionine.
Molecular consequence: missense variant.
Genome position (GRCh38, 1-based): chr1:2,228,983, G>A. VCF-style: chr1-2228983-G-A. GRCh37 (hg19) VCF-style: chr1-2160422-G-A.
Other names: c.217G>A (NM_003036.3); short protein forms V73M.
Identifiers: ClinVar variation 2958258 (VCV002958258.4), dbSNP rs1412398423, ClinGen allele CA337952331.

ClinVar aggregate classification (germline): Uncertain significance. Review status: criteria provided, multiple submitters, no conflicts (2 of 4 stars). 2 submissions from 2 submitters: Uncertain significance (2). Last evaluated 2024-07-01.

Conditions:
Familial thoracic aortic aneurysm and aortic dissection (TAAD). Also called: Thoracic aortic aneurysms and dissections. Identifiers: Orphanet 91387, MedGen C4707243, MONDO:0019625.
Shprintzen-Goldberg syndrome (SGS). Also called: SHPRINTZEN-GOLDBERG CRANIOSYNOSTOSIS SYNDROME; CRANIOSYNOSTOSIS WITH ARACHNODACTYLY AND ABDOMINAL HERNIAS; Marfanoid disorder with craniosynostosis type 1; Marfanoid craniosynostosis syndrome; Shprintzen-Goldberg marfanoid syndrome. Identifiers: Orphanet 2462, MedGen C1321551, MONDO:0008426, OMIM 182212.

Allele frequency attached by ClinVar (database versions not stated): gnomAD 0.00001; TOPMed 0.00001.
gnomAD v4.1: 5 of 1,536,848 alleles (0.00033%); highest among the groups gnomAD compares: East Asian, 0.0049%; no homozygotes.

Submissions (2):

Ambry Genetics
Classification: Uncertain significance for Familial thoracic aortic aneurysm and aortic dissection. Last evaluated: 2024-07-01. Review status: criteria provided, single submitter. Criteria: Ambry Variant Classification Scheme 2023. Collection method: clinical testing. Allele origin: germline.
Comment: The p.V73M variant (also known as c.217G>A), located in coding exon 1 of the SKI gene, results from a G to A substitution at nucleotide position 217. The valine at codon 73 is replaced by methionine, an amino acid with highly similar properties. This amino acid position is conserved. In addition, the in silico prediction for this alteration is inconclusive. Based on the available evidence, the clinical significance of this variant remains unclear.

Labcorp Genetics (formerly Invitae), Labcorp
Classification: Uncertain significance for Shprintzen-Goldberg syndrome. Last evaluated: 2023-01-07. Review status: criteria provided, single submitter. Criteria: Invitae Variant Classification Sherloc (09022015). Collection method: clinical testing. Allele origin: germline.
Comment: In summary, the available evidence is currently insufficient to determine the role of this variant in disease. Therefore, it has been classified as a Variant of Uncertain Significance. Advanced modeling of protein sequence and biophysical properties (such as structural, functional, and spatial information, amino acid conservation, physicochemical variation, residue mobility, and thermodynamic stability) has been performed at Invitae for this missense variant, however the output from this modeling did not meet the statistical confidence thresholds required to predict the impact of this variant on SKI protein function. This variant has not been reported in the literature in individuals affected with SKI-related conditions. This variant is not present in population databases (gnomAD no frequency). This sequence change replaces valine, which is neutral and non-polar, with methionine, which is neutral and non-polar, at codon 73 of the SKI protein (p.Val73Met).